The following is an entry in ClinVar:

NC_000016.10:g.(89752223_89758576)_(89765067_89767140)del

Gene: FANCA (FA complementation group A; minus strand). Cytogenetic location: 16q24.3.
Variant type: Deletion.
Identifiers: ClinVar variation 974244 (VCV000974244.1).

ClinVar aggregate classification (germline): Uncertain significance (0 of 4 stars; one submission).

Conditions:
Fanconi anemia complementation group A (FANCA). Also called: Fanconi anemia, group A; FANCA-Related Fanconi Anemia. Identifiers: Orphanet 84, MedGen C3469521, MONDO:0009215, OMIM 227650.

Submission:

Leiden Open Variation Database
Classification: Uncertain significance for Fanconi anemia complementation group A. Last evaluated: 2020-02-28. Review status: no assertion criteria provided. Collection method: curation. Allele origin: germline. Affected: yes.
Comment: Curator: Arleen D. Auerbach. Submitter to LOVD: Arleen D. Auerbach.